The following is an entry in ClinVar:

ClinVar aggregate classification (germline): Uncertain significance. Review status: criteria provided, multiple submitters, no conflicts (2 of 4 stars). 3 submissions from 3 submitters: Uncertain significance (3). Last evaluated 2024-06-11.

Conditions:
Joubert syndrome 17 (JBTS17). Identifiers: Orphanet 475, MedGen C3553264, MONDO:0013824, OMIM 614615.
Orofaciodigital syndrome type 6 (OFD6). Also called: OROFACIODIGITAL SYNDROME VI; OFDS VI; POLYDACTYLY, CLEFT LIP/PALATE OR LINGUAL LUMP, AND PSYCHOMOTOR RETARDATION; VARADI SYNDROME; VARADI-PAPP SYNDROME; Oral-facial-digital syndrome type 6. Identifiers: Orphanet 2754, MedGen C2745997, MONDO:0010176, OMIM 277170.

Allele frequency attached by ClinVar (database versions not stated): gnomAD exomes below 0.00001; gnomAD 0.00003 and 0.00004; TOPMed 0.00005.
gnomAD v4.1: 10 of 1,534,734 alleles (0.00065%); highest among the groups gnomAD compares: African/African-American, 0.011%; no homozygotes.

Submissions (3):

Fulgent Genetics
Classification: Uncertain significance for Orofaciodigital syndrome type 6; Joubert syndrome 17. Last evaluated: 2024-06-11. Review status: criteria provided, single submitter. Criteria: ACMG Guidelines, 2015. Collection method: clinical testing. Allele origin: germline.

Women's Health and Genetics/Laboratory Corporation of America, LabCorp
Classification: Uncertain significance. Last evaluated: 2024-03-28. Review status: criteria provided, single submitter. Criteria: LabCorp Variant Classification Summary - May 2015. Collection method: clinical testing. Allele origin: germline.
Comment: Variant summary: CPLANE1 c.2645A>G (p.Tyr882Cys) results in a non-conservative amino acid change in the encoded protein sequence. Four of five in-silico tools predict a damaging effect of the variant on protein function. The variant was absent in 141492 control chromosomes (gnomAD). The available data on variant occurrences in the general population are insufficient to allow any conclusion about variant significance. To our knowledge, no occurrence of c.2645A>G in individuals affected with Joubert Syndrome And Related Disorders and no experimental evidence demonstrating its impact on protein function have been reported. ClinVar contains an entry for this variant (Variation ID: 928879). Based on the evidence outlined above, the variant was classified as uncertain significance.

Baylor Genetics
Classification: Uncertain significance for Joubert syndrome 17. Last evaluated: 2018-07-30. Review status: criteria provided, single submitter. Criteria: ACMG Guidelines, 2015. Collection method: clinical testing. Allele origin: maternal. Affected: yes.
Comment: This variant was determined to be of uncertain significance according to ACMG Guidelines, 2015 [PMID:25741868].

NM_001384732.1(CPLANE1):c.2645A>G (p.Tyr882Cys)

Gene: CPLANE1 (ciliogenesis and planar polarity effector complex subunit 1; minus strand). Cytogenetic location: 5p13.2.
Variant type: single nucleotide variant.
Coding change: c.2645A>G on transcript NM_001384732.1 (MANE Select); coding-DNA position 2645, A replaced by G.
Protein change: p.Tyr882Cys; replaces tyrosine 882 with cysteine.
Molecular consequence: missense variant.
Genome position (GRCh38, 1-based): chr5:37,221,425, T>C on the plus strand (A>G on the coding strand, the complement: CPLANE1 is on the minus strand). VCF-style: chr5-37221425-T-C. GRCh37 (hg19) VCF-style: chr5-37221527-T-C.
Other names: c.2645A>G, p.Tyr882Cys (NM_023073.4); short protein forms Y882C.
Identifiers: ClinVar variation 928879 (VCV000928879.8), dbSNP rs1012462823, ClinGen allele CA117053352.